The following is an entry in ClinVar:

NM_001813.3(CENPE):c.767G>A (p.Cys256Tyr)

Gene: CENPE (centromere protein E; minus strand). Cytogenetic location: 4q24.
Variant type: single nucleotide variant.
Coding change: c.767G>A on transcript NM_001813.3 (MANE Select); coding-DNA position 767, G replaced by A.
Protein change: p.Cys256Tyr; replaces cysteine 256 with tyrosine.
Molecular consequence: missense variant.
Genome position (GRCh38, 1-based): chr4:103,183,267, C>T on the plus strand (G>A on the coding strand, the complement: CENPE is on the minus strand). VCF-style: chr4-103183267-C-T. GRCh37 (hg19) VCF-style: chr4-104104424-C-T.
Other names: c.767G>A, p.Cys256Tyr (NM_001286734.2); short protein forms C256Y.
Identifiers: ClinVar variation 430262 (VCV000430262.2), dbSNP rs1131691869, ClinGen allele CA357788694.

ClinVar aggregate classification (germline): Likely pathogenic (1 of 4 stars; one submission).

Submission:

GeneDx
Classification: Likely pathogenic. Last evaluated: 2015-11-16. Review status: criteria provided, single submitter. Criteria: GeneDx Variant Classification (06012015). Collection method: clinical testing. Allele origin: germline. Affected: yes.
Comment: The C256Y variant in the CENPE gene has not been reported previously as a pathogenic variant, nor as a benign variant, to our knowledge. The C256Y variant was not observed in approximately 6500 individuals of European and African American ancestry in the NHLBI Exome Sequencing Project, indicating it is not a common benign variant in these populations. The C256Y variant is a non-conservative amino acid substitution, which is likely to impact secondary protein structure as these residues differ in polarity, charge, size and/or other properties. This substitution occurs within the kinesin motor domain, at a position that is conserved across species. In silico analysis predicts this variant is probably damaging to the protein structure/function. The C256Y variant is a strong candidate for a pathogenic variant, however the possibility it may be a rare benign variant cannot be excluded.